The following is an entry in ClinVar:

ClinVar aggregate classification (germline): Likely pathogenic (1 of 4 stars; one submission).

Conditions:
Autosomal recessive polycystic kidney disease (ARPKD). Also called: AR polycystic kidney disease. Identifiers: Orphanet 731, Orphanet 8378, MedGen C0085548, MeSH D017044, MONDO:0009889.

Submission:

Women's Health and Genetics/Laboratory Corporation of America, LabCorp
Classification: Likely pathogenic for Autosomal recessive polycystic kidney disease. Last evaluated: 2017-01-23. Review status: criteria provided, single submitter. Criteria: LabCorp Variant Classification Summary - May 2015. Collection method: clinical testing. Allele origin: germline.
Comment: Variant summary: The PKHD1 c.3158_3159delGA (p.Gly1053Valfs) variant results in a premature termination codon, predicted to cause a truncated or absent PKHD1 protein due to nonsense mediated decay, which are commonly known mechanisms for disease. Truncations downstream of this position have been classified as likely pathogenic/pathogenic by our laboratory (e.g. c.3761_3762delinsG (p.Ala1254fs), c.9319C>T (p.Arg3107X), and c.9689delA (p.Asp3230fs)). The variant of interest was not observed in controls, nor has it been, to our knowledge, reported in affected individuals via publications and/or databases/clinical diagnostic laboratories. Therefore, until additional information becomes available (ie, clinical and functional studies), the variant of interest has been classified as "Likely Pathogenic."

NM_138694.4(PKHD1):c.3158_3159del (p.Gly1053fs)

Gene: PKHD1 (PKHD1 ciliary IPT domain containing fibrocystin/polyductin; minus strand). Cytogenetic location: 6p12.2.
Variant type: Deletion.
Coding change: c.3158_3159del on transcript NM_138694.4 (MANE Select); coding-DNA positions 3158 to 3159, 2 bases deleted (GA; older notation c.3158_3159delGA).
Protein change: p.Gly1053fs; shifts the reading frame from glycine 1053.
Molecular consequence: frameshift variant.
Genome position (GRCh38, 1-based): chr6:52,035,660-52,035,661, TC deleted on the plus strand (GA on the coding strand, the reverse complement: PKHD1 is on the minus strand). VCF-style (leftmost placement, unchanged base first): chr6-52035659-ATC-A. GRCh37 (hg19) VCF-style: chr6-51900457-ATC-A.
Other names: c.3158_3159del, p.Gly1053fs (NM_170724.3); short protein forms G1053fs.
Identifiers: ClinVar variation 496519 (VCV000496519.1), dbSNP rs1554204054, ClinGen allele CA658683445.